The following is an entry in ClinVar:

NM_001243133.2(NLRP3):c.2093A>G (p.His698Arg)

Gene: NLRP3 (NLR family pyrin domain containing 3; plus strand). Cytogenetic location: 1q44.
Variant type: single nucleotide variant.
Coding change: c.2093A>G on transcript NM_001243133.2 (MANE Select); coding-DNA position 2093, A replaced by G.
Protein change: p.His698Arg; replaces histidine 698 with arginine.
Molecular consequence: missense variant.
Genome position (GRCh38, 1-based): chr1:247,425,542, A>G. VCF-style: chr1-247425542-A-G. GRCh37 (hg19) VCF-style: chr1-247588844-A-G.
Other names: c.2093A>G, p.His698Arg (NM_001079821.3, NM_001127461.3, NM_001127462.3 and 1 more transcripts); c.2099A>G, p.His700Arg (NM_004895.5); short protein forms H698R, H700R.
Identifiers: ClinVar variation 3375838 (VCV003375838.1).

ClinVar aggregate classification (germline): Uncertain significance (1 of 4 stars; one submission).

gnomAD v4.1: 1 of 1,612,996 alleles (0.000062%); highest among the groups gnomAD compares: African/African-American, 0.0013%; no homozygotes.

Submission:

GeneDx
Classification: Uncertain significance. Last evaluated: 2024-04-24. Review status: criteria provided, single submitter. Criteria: GeneDx Variant Classification Process June 2021. Collection method: clinical testing. Allele origin: germline. Affected: yes.
Comment: Not observed at significant frequency in large population cohorts (gnomAD); In silico analysis supports that this missense variant has a deleterious effect on protein structure/function; Has not been previously published as pathogenic or benign to our knowledge